The following is an entry in ClinVar:

NM_003072.5(SMARCA4):c.4767A>C (p.Glu1589Asp)

Gene: SMARCA4 (SWI/SNF related BAF chromatin remodeling complex subunit ATPase 4; plus strand). Cytogenetic location: 19p13.2.
Variant type: single nucleotide variant.
Coding change: c.4767A>C on transcript NM_003072.5 (MANE Select); coding-DNA position 4767, A replaced by C.
Protein change: p.Glu1589Asp; replaces glutamic acid 1589 with aspartic acid.
Molecular consequence: missense variant. On other transcripts: non-coding transcript variant (1).
Genome position (GRCh38, 1-based): chr19:11,059,884, A>C. VCF-style: chr19-11059884-A-C. GRCh37 (hg19) VCF-style: chr19-11170560-A-C.
Other names: c.4767A>C, p.Glu1589Asp (NM_001128844.3); c.4677A>C, p.Glu1559Asp (NM_001128845.2); c.4674A>C, p.Glu1558Asp (NM_001128846.2); c.4668A>C, p.Glu1556Asp (NM_001128847.4, NM_001374457.1); c.4665A>C, p.Glu1555Asp (NM_001128848.2); c.4863A>C, p.Glu1621Asp (NM_001128849.3, NM_001387283.1); c.4764A>C, p.Glu1588Asp (NM_001411150.1); short protein forms E1621D, E1555D, E1556D, E1589D, E1558D, E1559D, E1588D.
Identifiers: ClinVar variation 4170140 (VCV004170140.1).
Genomic context (GRCh38, chr19:11,059,884, plus strand): 5'-CAGTGAAGGCGAGGAGAGTGAGGAGGAGGAAGAGGGCGAGGAGGAAGGCTCCGAATCCGA[A>C]TGTGAGTCCCGGGGGGGTTCAGGACGCCGGGGTTCACGCTGGCCCGAGAGCCCCCAAGGC-3'
Protein context (NP_003063.2, residues 1579-1599): EEGEEEGSES[Glu1589Asp]SRSVKVKIKL

ClinVar aggregate classification (germline): Uncertain significance (1 of 4 stars; one submission).

Conditions:
Hereditary cancer-predisposing syndrome. Also called: Neoplastic Syndromes, Hereditary; Tumor predisposition; Hereditary Cancer Syndrome; Hereditary neoplastic syndrome. Identifiers: Orphanet 140162, MedGen C0027672, MeSH D009386, MONDO:0015356.

Submission:

Ambry Genetics
Classification: Uncertain significance for Hereditary cancer-predisposing syndrome. Last evaluated: 2025-06-24. Review status: criteria provided, single submitter. Criteria: Ambry Variant Classification Scheme 2023. Collection method: clinical testing. Allele origin: germline.
Comment: The p.E1621D variant (also known as c.4863A>C), located in coding exon 33 of the SMARCA4 gene, results from an A to C substitution at nucleotide position 4863. The glutamic acid at codon 1621 is replaced by aspartic acid, an amino acid with highly similar properties. This amino acid position is highly conserved in available vertebrate species. In addition, this alteration is predicted to be tolerated by in silico analysis. Based on the available evidence, the clinical significance of this variant remains unclear.